The following is an entry in ClinVar:

ClinVar aggregate classification (germline): Likely benign. Review status: criteria provided, multiple submitters, no conflicts (2 of 4 stars). 3 submissions from 3 submitters: Likely benign (3). Last evaluated 2026-01-01.

Conditions:
Chromosome 2q32-q33 deletion syndrome (GLASS). Also called: Glass syndrome; 2q33.1 deletion syndrome. Identifiers: Orphanet 251019, MedGen C2676739, MONDO:0012864, OMIM 612313.

Allele frequency attached by ClinVar (database versions not stated): ExAC 0.00001; gnomAD exomes 0.00002 and 0.00005; gnomAD 0.00004; TOPMed 0.00005.
gnomAD v4.1: 82 of 1,613,982 alleles (0.0051%); highest among the groups gnomAD compares: Non-Finnish European, 0.0064%; no homozygotes.

Submissions (3):

CeGaT Center for Human Genetics Tuebingen
Classification: Likely benign. Last evaluated: 2026-01-01. Review status: criteria provided, single submitter. Criteria: CeGaT Center For Human Genetics Tuebingen Variant Classification Criteria Version 2. Collection method: clinical testing. Allele origin: germline. Affected: yes. Observed: 1 variant allele.
Comment: SATB2: BP4, BP7

Women's Health and Genetics/Laboratory Corporation of America, LabCorp
Classification: Likely benign. Last evaluated: 2025-11-05. Review status: criteria provided, single submitter. Criteria: LabCorp Variant Classification Summary - May 2015. Collection method: clinical testing. Allele origin: germline.

Labcorp Genetics (formerly Invitae), Labcorp
Classification: Likely benign for Chromosome 2q32-q33 deletion syndrome. Last evaluated: 2025-05-27. Review status: criteria provided, single submitter. Criteria: Invitae Variant Classification Sherloc (09022015). Collection method: clinical testing. Allele origin: germline.

NM_001172509.2(SATB2):c.2055C>T (p.Asp685=)

Genes: SATB2 (SATB homeobox 2; minus strand), LOC126806462 (MED14-independent group 3 enhancer GRCh37_chr2:200136608-200137807; plus strand). Cytogenetic location: 2q33.1.
Variant type: single nucleotide variant.
Coding change: c.2055C>T on transcript NM_001172509.2 (MANE Select); coding-DNA position 2055, C replaced by T.
Protein change: p.Asp685=; no amino-acid change (aspartic acid 685 retained).
Molecular consequence: synonymous variant.
Genome position (GRCh38, 1-based): chr2:199,272,358, G>A on the plus strand (C>T on the coding strand, the complement: SATB2 is on the minus strand). VCF-style: chr2-199272358-G-A. GRCh37 (hg19) VCF-style: chr2-200137081-G-A.
Other names: c.2055C>T, p.Asp685= (NM_001172517.1, NM_015265.4).
Identifiers: ClinVar variation 469548 (VCV000469548.17), dbSNP rs747832215, ClinGen allele CA2045763.
Genomic context (GRCh38, chr2:199,272,358, plus strand): 5'-TTCCTCGCTGTCGTTCTCCTCTGACTCGGTCAGCAGCTCCTCGTCCTTATATTCAGCCAC[G>A]TCCACCGCGGAGCCCAGGTGCTCTTTCAGCTTCCCGTGGTGCTTCACGTGGTACCGCTGG-3'
Protein context (NP_001165980.1, residues 675-695): KLKEHLGSAV[Asp685=]VAEYKDEELL